The following is an entry in ClinVar:

NM_001253697.2(ERBIN):c.2170G>T (p.Asp724Tyr)

Gene: ERBIN (erbb2 interacting protein; plus strand). Cytogenetic location: 5q12.3.
Variant type: single nucleotide variant.
Coding change: c.2170G>T on transcript NM_001253697.2 (MANE Select); coding-DNA position 2170, G replaced by T.
Protein change: p.Asp724Tyr; replaces aspartic acid 724 with tyrosine.
Molecular consequence: missense variant.
Genome position (GRCh38, 1-based): chr5:66,053,488, G>T. VCF-style: chr5-66053488-G-T. GRCh37 (hg19) VCF-style: chr5-65349316-G-T.
Other names: c.2158G>T, p.Asp720Tyr (NM_001253701.2); c.2170G>T, p.Asp724Tyr (NM_018695.4, NM_001006600.3, NM_001253698.2 and 1 more transcripts); short protein forms D720Y, D724Y.
Identifiers: ClinVar variation 3724574 (VCV003724574.2).

ClinVar aggregate classification (germline): Uncertain significance (1 of 4 stars; one submission).

Submission:

Labcorp Genetics (formerly Invitae), Labcorp
Classification: Uncertain significance. Last evaluated: 2024-11-03. Review status: criteria provided, single submitter. Criteria: Invitae Variant Classification Sherloc (09022015). Collection method: clinical testing. Allele origin: germline.
Comment: This sequence change replaces aspartic acid, which is acidic and polar, with tyrosine, which is neutral and polar, at codon 724 of the ERBIN protein (p.Asp724Tyr). This variant is not present in population databases (gnomAD no frequency). This variant has not been reported in the literature in individuals affected with ERBIN-related conditions. An algorithm developed to predict the effect of missense changes on protein structure and function (PolyPhen-2) suggests that this variant is likely to be disruptive. In summary, the available evidence is currently insufficient to determine the role of this variant in disease. Therefore, it has been classified as a Variant of Uncertain Significance.